The following is an entry in ClinVar:

NM_001353921.2(ARHGEF9):c.688G>A (p.Ala230Thr)

Gene: ARHGEF9 (Cdc42 guanine nucleotide exchange factor 9; minus strand). Cytogenetic location: Xq11.1.
Variant type: single nucleotide variant.
Coding change: c.688G>A on transcript NM_001353921.2 (MANE Select); coding-DNA position 688, G replaced by A.
Protein change: p.Ala230Thr; replaces alanine 230 with threonine.
Molecular consequence: missense variant.
Genome position (GRCh38, 1-based): chrX:63,678,467, C>T on the plus strand (G>A on the coding strand, the complement: ARHGEF9 is on the minus strand). VCF-style: chrX-63678467-C-T. GRCh37 (hg19) VCF-style: chrX-62898347-C-T.
Other names: c.508G>A, p.Ala170Thr (NM_001173479.2); c.361G>A, p.Ala121Thr (NM_001173480.2, NM_001369042.1); c.604G>A, p.Ala202Thr (NM_001330495.2, NM_001353927.2, NM_001369033.1 and 8 more transcripts); c.688G>A, p.Ala230Thr (NM_001353922.2); c.706G>A, p.Ala236Thr (NM_001353923.1); c.487G>A, p.Ala163Thr (NM_001353924.2, NM_001353926.2, NM_001369039.1 and 1 more transcripts); c.667G>A, p.Ala223Thr (NM_001353928.2, NM_001369030.1, NM_001369031.1 and 2 more transcripts); c.253G>A, p.Ala85Thr (NM_001369045.1); and 1 more; short protein forms A163T, A236T, A85T, A170T, A230T, A202T, A121T, A223T.
Identifiers: ClinVar variation 2808729 (VCV002808729.4), dbSNP rs1556365307, ClinGen allele CA413406516.

ClinVar aggregate classification (germline): Uncertain significance. Review status: criteria provided, multiple submitters, no conflicts (2 of 4 stars). 2 submissions from 2 submitters: Uncertain significance (2). Last evaluated 2025-02-01.

Conditions:
Inborn genetic diseases. Identifiers: MedGen C0950123, MeSH D030342.
Developmental and epileptic encephalopathy, 8 (DEE8). Also called: HYPEREKPLEXIA AND EPILEPSY. Identifiers: Orphanet 163985, Orphanet 2076, MedGen C1845102, MONDO:0010375, OMIM 300607.

Submissions (2):

Ambry Genetics
Classification: Uncertain significance for Inborn genetic diseases. Last evaluated: 2025-02-01. Review status: criteria provided, single submitter. Criteria: Ambry Variant Classification Scheme 2023. Collection method: clinical testing. Allele origin: germline.

Labcorp Genetics (formerly Invitae), Labcorp
Classification: Uncertain significance for Developmental and epileptic encephalopathy, 8. Last evaluated: 2023-07-31. Review status: criteria provided, single submitter. Criteria: Invitae Variant Classification Sherloc (09022015). Collection method: clinical testing. Allele origin: germline.
Comment: This sequence change replaces alanine, which is neutral and non-polar, with threonine, which is neutral and polar, at codon 223 of the ARHGEF9 protein (p.Ala223Thr). This variant is not present in population databases (gnomAD no frequency). This variant has not been reported in the literature in individuals affected with ARHGEF9-related conditions. Advanced modeling of protein sequence and biophysical properties (such as structural, functional, and spatial information, amino acid conservation, physicochemical variation, residue mobility, and thermodynamic stability) has been performed at Invitae for this missense variant, however the output from this modeling did not meet the statistical confidence thresholds required to predict the impact of this variant on ARHGEF9 protein function. In summary, the available evidence is currently insufficient to determine the role of this variant in disease. Therefore, it has been classified as a Variant of Uncertain Significance.